The following is an entry in ClinVar:

NM_015295.3(SMCHD1):c.194G>A (p.Gly65Asp)

Gene: SMCHD1 (structural maintenance of chromosomes flexible hinge domain containing 1; plus strand). Cytogenetic location: 18p11.32.
Variant type: single nucleotide variant.
Coding change: c.194G>A on transcript NM_015295.3 (MANE Select); coding-DNA position 194, G replaced by A.
Protein change: p.Gly65Asp; replaces glycine 65 with aspartic acid.
Molecular consequence: missense variant.
Genome position (GRCh38, 1-based): chr18:2,666,164, G>A. VCF-style: chr18-2666164-G-A. GRCh37 (hg19) VCF-style: chr18-2666163-G-A.
Other names: short protein forms G65D.
Identifiers: ClinVar variation 1462001 (VCV001462001.5), dbSNP rs981876921, ClinGen allele CA295459768.

ClinVar aggregate classification (germline): Uncertain significance (1 of 4 stars; one submission).

Conditions:
Facioscapulohumeral muscular dystrophy 2 (FSHD2). Also called: FACIOSCAPULOHUMERAL MUSCULAR DYSTROPHY 2, DIGENIC; FSHD2, DIGENIC; MUSCULAR DYSTROPHY, FACIOSCAPULOHUMERAL, TYPE 1B. Identifiers: Orphanet 269, MedGen C1834671, MONDO:0008031, OMIM 158901.

Allele frequency attached by ClinVar (database versions not stated): gnomAD exomes below 0.00001; TOPMed below 0.00001.
gnomAD v4.1: 6 of 1,494,828 alleles (0.0004%); highest among the groups gnomAD compares: Admixed American, 0.0017%; no homozygotes.

Submission:

Labcorp Genetics (formerly Invitae), Labcorp
Classification: Uncertain significance for Facioscapulohumeral muscular dystrophy 2. Last evaluated: 2021-10-30. Review status: criteria provided, single submitter. Criteria: Invitae Variant Classification Sherloc (09022015). Collection method: clinical testing. Allele origin: germline.
Comment: In summary, the available evidence is currently insufficient to determine the role of this variant in disease. Therefore, it has been classified as a Variant of Uncertain Significance. Algorithms developed to predict the effect of missense changes on protein structure and function are either unavailable or do not agree on the potential impact of this missense change (SIFT: "Deleterious"; PolyPhen-2: "Probably Damaging"; Align-GVGD: "Class C0"). This variant has not been reported in the literature in individuals affected with SMCHD1-related conditions. The frequency data for this variant in the population databases is considered unreliable, as metrics indicate poor data quality at this position in the gnomAD database. This sequence change replaces glycine, which is neutral and non-polar, with aspartic acid, which is acidic and polar, at codon 65 of the SMCHD1 protein (p.Gly65Asp).